The following is an entry in ClinVar:

NM_001393769.1(MED12L):c.2242A>G (p.Ile748Val)

Gene: MED12L (mediator complex subunit 12L; plus strand). Cytogenetic location: 3q25.1.
Variant type: single nucleotide variant.
Coding change: c.2242A>G on transcript NM_001393769.1 (MANE Select); coding-DNA position 2242, A replaced by G.
Protein change: p.Ile748Val; replaces isoleucine 748 with valine.
Molecular consequence: missense variant.
Genome position (GRCh38, 1-based): chr3:151,193,658, A>G. VCF-style: chr3-151193658-A-G. GRCh37 (hg19) VCF-style: chr3-150911445-A-G.
Other names: c.2137A>G, p.Ile713Val (NM_053002.6); short protein forms I713V, I748V.
Identifiers: ClinVar variation 3367044 (VCV003367044.1).

ClinVar aggregate classification (germline): Uncertain significance (1 of 4 stars; one submission).

Conditions:
Nizon-Isidor syndrome. Identifiers: MedGen C5394350, MONDO:0030030, OMIM 618872.

Submission:

Neuberg Centre For Genomic Medicine, NCGM
Classification: Uncertain significance for Nizon-Isidor syndrome. Last evaluated: 2023-05-20. Review status: criteria provided, single submitter. Criteria: ACMG Guidelines, 2015. Collection method: clinical testing. Allele origin: germline. Inheritance: Autosomal dominant inheritance. Affected: yes.
Comment: The observed missense variant c.2137A>G(p.Ile713Val) in the MED12L gene has not been reported previously as a pathogenic variant nor as a benign variant, to our knowledge. This variant is absent in the gnomAD Exomes. The amino acid Ileucine at position 713 is changed to a Valine changing protein sequence and it might alter its composition and physico-chemical properties. Multiple lines of computational evidence (SIFT - Damaging and MutationTaster - Disease causing) predict a damaging effect on protein structure and function for this variant. The residue is conserved by GERP++ and PhyloP across 100 vertebrates. For these reasons, this variant has been classified as Uncertain Significance.